The following is an entry in ClinVar:

NM_000455.5(STK11):c.645del (p.Ser216fs)

Gene: STK11 (serine/threonine kinase 11; plus strand). Cytogenetic location: 19p13.3.
Variant type: Deletion.
Coding change: c.645del on transcript NM_000455.5 (MANE Select); coding-DNA position 645, one base deleted (C; older notation c.645delC).
Protein change: p.Ser216fs; shifts the reading frame from serine 216.
Molecular consequence: frameshift variant.
Genome position (GRCh38, 1-based): chr19:1,220,628, C deleted. VCF-style (leftmost placement, unchanged base first): chr19-1220627-GC-G. GRCh37 (hg19) VCF-style: chr19-1220626-GC-G.
Other names: c.645delC, p.Ser216Profs (NM_001407255.1); short protein forms S216fs.
Identifiers: ClinVar variation 1753644 (VCV001753644.2), dbSNP rs2512943480, ClinGen allele CA2580096084.

ClinVar aggregate classification (germline): Pathogenic (1 of 4 stars; one submission).

Conditions:
Hereditary cancer-predisposing syndrome. Also called: Neoplastic Syndromes, Hereditary; Tumor predisposition; Hereditary Cancer Syndrome; Hereditary neoplastic syndrome. Identifiers: Orphanet 140162, MedGen C0027672, MeSH D009386, MONDO:0015356.

Submission:

Ambry Genetics
Classification: Pathogenic for Hereditary cancer-predisposing syndrome. Last evaluated: 2018-09-13. Review status: criteria provided, single submitter. Criteria: Ambry Variant Classification Scheme 2023. Collection method: clinical testing. Allele origin: germline.
Comment: The c.645delC pathogenic mutation, located in coding exon 5 of the STK11 gene, results from a deletion of one nucleotide at nucleotide position 645, causing a translational frameshift with a predicted alternate stop codon (p.S216Pfs*71). This alteration is expected to result in loss of function by premature protein truncation or nonsense-mediated mRNA decay. As such, this alteration is interpreted as a disease-causing mutation.